The following is an entry in ClinVar:

ClinVar aggregate classification (germline): Uncertain significance (1 of 4 stars; one submission).

Conditions:
Bloom syndrome (BLM). Also called: Bloom-Torre-Machacek syndrome. Identifiers: Orphanet 125, MedGen C0005859, MONDO:0008876, OMIM 210900.

Submission:

Labcorp Genetics (formerly Invitae), Labcorp
Classification: Uncertain significance for Bloom syndrome. Last evaluated: 2022-05-30. Review status: criteria provided, single submitter. Criteria: Invitae Variant Classification Sherloc (09022015). Collection method: clinical testing. Allele origin: germline.
Comment: This sequence change replaces valine, which is neutral and non-polar, with glycine, which is neutral and non-polar, at codon 1171 of the BLM protein (p.Val1171Gly). This variant is not present in population databases (gnomAD no frequency). This variant has not been reported in the literature in individuals affected with BLM-related conditions. Algorithms developed to predict the effect of missense changes on protein structure and function are either unavailable or do not agree on the potential impact of this missense change (SIFT: "Deleterious"; PolyPhen-2: "Possibly Damaging"; Align-GVGD: "Class C0"). In summary, the available evidence is currently insufficient to determine the role of this variant in disease. Therefore, it has been classified as a Variant of Uncertain Significance.

NM_000057.4(BLM):c.3512T>G (p.Val1171Gly)

Gene: BLM (BLM RecQ like helicase; plus strand). Cytogenetic location: 15q26.1.
Variant type: single nucleotide variant.
Coding change: c.3512T>G on transcript NM_000057.4 (MANE Select); coding-DNA position 3512, T replaced by G.
Protein change: p.Val1171Gly; replaces valine 1171 with glycine.
Molecular consequence: missense variant. On other transcripts: intron variant (1).
Genome position (GRCh38, 1-based): chr15:90,803,674, T>G. VCF-style: chr15-90803674-T-G. GRCh37 (hg19) VCF-style: chr15-91346904-T-G.
Other names: c.3512T>G, p.Val1171Gly (NM_001287246.2); c.2387T>G, p.Val796Gly (NM_001287248.2); c.3358+5337T>G (NM_001287247.2); short protein forms V796G, V1171G.
Identifiers: ClinVar variation 2001125 (VCV002001125.4), dbSNP rs2505547654, ClinGen allele CA393847763.